The following is an entry in ClinVar:

ClinVar aggregate classification (germline): Benign/Likely benign. Review status: criteria provided, multiple submitters, no conflicts (2 of 4 stars). 10 submissions from 10 submitters: Benign (2); Likely benign (5). 3 of the submissions do not count toward it. Last evaluated 2025-11-02.

Conditions:
ANK2-related disorder. Also called: ANK2-related condition.
Cardiac arrhythmia, ankyrin-B-related. Also called: ANKYRIN-B SYNDROME. Identifiers: Orphanet 101016, Orphanet 768, MedGen C1970119, MONDO:0010958, OMIM 600919.
Cardiovascular phenotype. Identifiers: MedGen CN230736.
Long QT syndrome (LQTS). Identifiers: MedGen C0023976, MeSH D008133, MONDO:0002442. Disease mechanism: loss of function. Inheritance: Various modes of inheritance.

Allele frequency attached by ClinVar (database versions not stated): gnomAD exomes 0.00007 and 0.00029; gnomAD 0.00014 and 0.00017; TOPMed 0.00014; ExAC 0.00021; 1000 Genomes Project 0.00060; 1000 Genomes Project 30x 0.00062.
gnomAD v4.1: 148 of 1,613,968 alleles (0.0092%); highest among the groups gnomAD compares: East Asian, 0.17%; no homozygotes.

Submissions (10):

Labcorp Genetics (formerly Invitae), Labcorp
Classification: Likely benign for Long QT syndrome. Last evaluated: 2025-11-02. Review status: criteria provided, single submitter. Criteria: Invitae Variant Classification Sherloc (09022015). Collection method: clinical testing. Allele origin: germline.

CeGaT Center for Human Genetics Tuebingen
Classification: Likely benign. Last evaluated: 2023-11-01. Review status: criteria provided, single submitter. Criteria: CeGaT Center For Human Genetics Tuebingen Variant Classification Criteria Version 2. Collection method: clinical testing. Allele origin: germline. Affected: yes. Observed: 1 variant allele.
Comment: ANK2: BP4, BS1

Ambry Genetics
Classification: Likely benign for Cardiovascular phenotype. Last evaluated: 2022-02-03. Review status: criteria provided, single submitter. Criteria: Ambry Variant Classification Scheme 2023. Collection method: clinical testing. Allele origin: germline.

Genome-Nilou Lab
Classification: Benign for Cardiac arrhythmia, ankyrin-B-related. Last evaluated: 2021-12-05. Review status: criteria provided, single submitter. Criteria: ACMG Guidelines, 2015. Collection method: clinical testing. Allele origin: germline. Affected: no.

Fulgent Genetics
Classification: Likely benign for Cardiac arrhythmia, ankyrin-B-related. Last evaluated: 2021-10-01. Review status: criteria provided, single submitter. Criteria: ACMG Guidelines, 2015. Collection method: clinical testing. Allele origin: unknown.

GeneDx
Classification: Likely benign. Last evaluated: 2021-02-11. Review status: criteria provided, single submitter. Criteria: GeneDx Variant Classification Process June 2021. Collection method: clinical testing. Allele origin: germline. Affected: yes.
Comment: This variant is associated with the following publications: (PMID: 32145446)

ARUP Laboratories, Molecular Genetics and Genomics, ARUP Laboratories
Classification: Benign. Last evaluated: 2017-06-20. Review status: criteria provided, single submitter. Criteria: ARUP Molecular Germline Variant Investigation Process. Collection method: clinical testing. Allele origin: germline.

PreventionGenetics, part of Exact Sciences
Classification: Likely benign for ANK2-related condition. Last evaluated: 2019-08-09. Review status: no assertion criteria provided. Collection method: clinical testing. Allele origin: germline. Not counted in ClinVar's aggregate classification.
Comment: This variant is classified as likely benign based on ACMG/AMP sequence variant interpretation guidelines (Richards et al. 2015 PMID: 25741868, with internal and published modifications).

Clinical Genetics DNA and cytogenetics Diagnostics Lab, Erasmus MC, Erasmus Medical Center
Classification: Likely benign. Review status: no assertion criteria provided. Collection method: clinical testing. Allele origin: germline. Affected: yes. Study: VKGL Data-share Consensus. Not counted in ClinVar's aggregate classification.

Clinical Genetics, Academic Medical Center
Classification: Likely benign. Review status: no assertion criteria provided. Collection method: clinical testing. Allele origin: germline. Affected: yes. Study: VKGL Data-share Consensus. Not counted in ClinVar's aggregate classification.

NM_001148.6(ANK2):c.2249A>G (p.Gln750Arg)

Gene: ANK2 (ankyrin 2; plus strand). Cytogenetic location: 4q26.
Variant type: single nucleotide variant.
Coding change: c.2249A>G on transcript NM_001148.6 (MANE Select); coding-DNA position 2249, A replaced by G.
Protein change: p.Gln750Arg; replaces glutamine 750 with arginine.
Molecular consequence: missense variant.
Genome position (GRCh38, 1-based): chr4:113,288,458, A>G. VCF-style: chr4-113288458-A-G. GRCh37 (hg19) VCF-style: chr4-114209614-A-G.
Other names: c.2063A>G, p.Gln688Arg (NM_001354260.2, NM_001354271.2, NM_001386151.1); c.2207A>G, p.Gln736Arg (NM_001354261.2, NM_001386147.1, NM_001386160.1); c.2186A>G, p.Gln729Arg (NM_001354262.2, NM_001354272.2, NM_001354275.2 and 10 more transcripts); c.2162A>G, p.Gln721Arg (NM_001354264.2, NM_001354266.2, NM_001354267.2 and 10 more transcripts); c.2249A>G, p.Gln750Arg (NM_001354265.2, NM_020977.5, NM_001354225.2 and 6 more transcripts); c.2150A>G, p.Gln717Arg (NM_001354268.2, NM_001354245.2); c.2039A>G, p.Gln680Arg (NM_001354269.3); c.2087A>G, p.Gln696Arg (NM_001354270.2, NM_001386156.1, NM_001354253.2 and 1 more transcripts); and 8 more; short protein forms Q729R, Q750R, Q680R, Q721R, Q717R, Q736R, Q765R, Q684R.
Identifiers: ClinVar variation 377473 (VCV000377473.50), dbSNP rs371787039, ClinGen allele CA3050488.